The following is an entry in ClinVar:

NM_015072.5(TTLL5):c.2603-3T>C

Gene: TTLL5 (tubulin tyrosine ligase like 5; plus strand). Cytogenetic location: 14q24.3.
Variant type: single nucleotide variant.
Coding change: c.2603-3T>C on transcript NM_015072.5 (MANE Select); 3 bases into the intron before coding-DNA position 2603, T replaced by C.
Molecular consequence: intron variant.
Genome position (GRCh38, 1-based): chr14:75,783,144, T>C. VCF-style: chr14-75783144-T-C. GRCh37 (hg19) VCF-style: chr14-76249487-T-C.
Identifiers: ClinVar variation 425050 (VCV000425050.56), dbSNP rs185326652, ClinGen allele CA7279782.

ClinVar aggregate classification (germline): Likely benign. Review status: criteria provided, multiple submitters, no conflicts (2 of 4 stars). 6 submissions from 6 submitters: Likely benign (3). 3 of the submissions do not count toward it. Last evaluated 2026-03-01.

Allele frequency attached by ClinVar (database versions not stated): 1000 Genomes Project 0.00140; 1000 Genomes Project 30x 0.00141; gnomAD 0.00175 and 0.00182; ExAC 0.00176; ESP Exome Variant Server 0.00186; gnomAD exomes 0.00186 and 0.00259; TOPMed 0.00215.
gnomAD v4.1: 4,032 of 1,597,474 alleles (0.25%); highest among the groups gnomAD compares: Admixed American, 0.37%; 13 homozygotes.

Submissions (6):

CeGaT Center for Human Genetics Tuebingen
Classification: Likely benign. Last evaluated: 2026-03-01. Review status: criteria provided, single submitter. Criteria: CeGaT Center For Human Genetics Tuebingen Variant Classification Criteria Version 2. Collection method: clinical testing. Allele origin: germline. Affected: yes. Observed: 3 variant alleles.
Comment: TTLL5: BP4, BS2

Labcorp Genetics (formerly Invitae), Labcorp
Classification: Likely benign. Last evaluated: 2026-01-27. Review status: criteria provided, single submitter. Criteria: Invitae Variant Classification Sherloc (09022015). Collection method: clinical testing. Allele origin: germline.

Blueprint Genetics
Classification: Likely benign. Last evaluated: 2024-11-19. Review status: criteria provided, single submitter. Criteria: ACMG Guidelines, 2015. Collection method: clinical testing. Allele origin: germline.

Clinical Genetics DNA and cytogenetics Diagnostics Lab, Erasmus MC, Erasmus Medical Center
Classification: Likely benign. Review status: no assertion criteria provided. Collection method: clinical testing. Allele origin: germline. Affected: yes. Study: VKGL Data-share Consensus. Not counted in ClinVar's aggregate classification.

Clinical Genetics, Academic Medical Center
Classification: Benign. Review status: no assertion criteria provided. Collection method: clinical testing. Allele origin: germline. Affected: yes. Study: VKGL Data-share Consensus. Not counted in ClinVar's aggregate classification.

Laboratory of Diagnostic Genome Analysis, Leiden University Medical Center (LUMC)
Classification: Likely benign. Review status: no assertion criteria provided. Collection method: clinical testing. Allele origin: germline. Affected: yes. Study: VKGL Data-share Consensus. Not counted in ClinVar's aggregate classification.